The following is an entry in ClinVar:

ClinVar aggregate classification (germline): Uncertain significance (1 of 4 stars; one submission).

Submission:

CeGaT Center for Human Genetics Tuebingen
Classification: Uncertain significance. Last evaluated: 2023-09-01. Review status: criteria provided, single submitter. Criteria: CeGaT Center For Human Genetics Tuebingen Variant Classification Criteria Version 2. Collection method: clinical testing. Allele origin: germline. Affected: yes. Observed: 1 variant allele.
Comment: NTHL1: PM2, BP4

NM_002528.7(NTHL1):c.354+7A>T

Gene: NTHL1 (nth like DNA glycosylase 1; minus strand). Cytogenetic location: 16p13.3.
Variant type: single nucleotide variant.
Coding change: c.354+7A>T on transcript NM_002528.7 (MANE Select); 7 bases into the intron after coding-DNA position 354, A replaced by T.
Molecular consequence: intron variant.
Genome position (GRCh38, 1-based): chr16:2,046,121, T>A on the plus strand (A>T on the coding strand, the complement: NTHL1 is on the minus strand). VCF-style: chr16-2046121-T-A. GRCh37 (hg19) VCF-style: chr16-2096122-T-A.
Other names: c.24+159A>T (NM_001318194.2); c.354+7A>T (NM_001318193.2).
Identifiers: ClinVar variation 2582943 (VCV002582943.25), dbSNP rs2548318959, ClinGen allele CA2582342636.